The following is an entry in ClinVar:

NM_005359.6(SMAD4):c.905-13G>C

Gene: SMAD4 (SMAD family member 4; plus strand). Cytogenetic location: 18q21.2.
Variant type: single nucleotide variant.
Coding change: c.905-13G>C on transcript NM_005359.6 (MANE Select); 13 bases into the intron before coding-DNA position 905, G replaced by C.
Molecular consequence: intron variant.
Genome position (GRCh38, 1-based): chr18:51,059,853, G>C. VCF-style: chr18-51059853-G-C. GRCh37 (hg19) VCF-style: chr18-48586223-G-C.
Other names: c.905-13G>C (NM_001407042.1, NM_001407041.1, NM_001407043.1).
Identifiers: ClinVar variation 3904349 (VCV003904349.1).

ClinVar aggregate classification (germline): Likely benign (1 of 4 stars; one submission).

Conditions:
Juvenile polyposis/hereditary hemorrhagic telangiectasia syndrome (JPHT). Also called: JP/HHT SYNDROME; JUVENILE POLYPOSIS WITH HEREDITARY HEMORRHAGIC TELANGIECTASIA; POLYPOSIS, GENERALIZED JUVENILE, WITH PULMONARY ARTERIOVENOUS MALFORMATION; TELANGIECTASIA, HEREDITARY HEMORRHAGIC, WITH JUVENILE POLYPOSIS COLI; Juvenile Polyposis Syndrome / Hereditary Hemorrhagic Telangiectasia (JPS/HHT). Identifiers: Orphanet 2929, MedGen C1832942, MONDO:0008278, OMIM 175050.

Submission:

Myriad Genetics, Inc.
Classification: Likely benign for Juvenile polyposis/hereditary hemorrhagic telangiectasia syndrome. Last evaluated: 2025-03-20. Review status: criteria provided, single submitter. Criteria: Myriad Autosomal Dominant, Autosomal Recessive and X-Linked Classification Criteria (2023). Collection method: clinical testing. Allele origin: unknown.
Comment: This variant is considered likely benign. This variant is intronic and is not expected to impact mRNA splicing.